The following is an entry in ClinVar:

ClinVar aggregate classification (germline): Likely benign. Review status: reviewed by expert panel (3 of 4 stars). 11 submissions from 11 submitters: Likely benign (1). 10 of the submissions do not count toward it. Last evaluated 2023-08-18.

Conditions:
CDH1-related diffuse gastric and lobular breast cancer syndrome. Also called: CDH1-related diffuse gastric and lobular breast cancer. Identifiers: MedGen CN311521, MONDO:0100488.
Hereditary cancer-predisposing syndrome. Also called: Hereditary neoplastic syndrome; Neoplastic Syndromes, Hereditary; Tumor predisposition; Hereditary Cancer Syndrome. Identifiers: Orphanet 140162, MedGen C0027672, MeSH D009386, MONDO:0015356.
Hereditary diffuse gastric adenocarcinoma (HDGC). Also called: DIFFUSE GASTRIC AND LOBULAR BREAST CANCER SYNDROME. Identifiers: Orphanet 26106, MedGen C1708349, MONDO:0007648, OMIM 137215.
Malignant tumor of breast. Also called: Malignant breast neoplasm; Cancer breast. Identifiers: MedGen C0006142, MONDO:0007254. Disease mechanism: loss of function.
Endometrial carcinoma. Also called: Endometrial carcinoma, somatic. Identifiers: MedGen C0476089, MONDO:0002447, OMIM 608089, HP:0012114.

Allele frequency attached by ClinVar (database versions not stated): gnomAD exomes below 0.00001 and 0.00004; TOPMed 0.00001; gnomAD 0.00002.
gnomAD v4.1: 62 of 1,613,210 alleles (0.0038%); highest among the groups gnomAD compares: Non-Finnish European, 0.0052%; no homozygotes.

Submissions (11):

Clingen Gastric Cancer Variant Curation Expert Panel
Classification: Likely benign for CDH1-related diffuse gastric and lobular breast cancer syndrome. Last evaluated: 2023-08-18. Review status: reviewed by expert panel. Criteria: ClinGen CDH1 ACMG Specifications V3.1. Collection method: curation. Allele origin: germline. Inheritance: Autosomal dominant inheritance.
Comment: The c.2131C>G variant is <1/50,000 alleles (0.002%, 2/128,916 alleles) in the non-Finnish European subpopulation (PM2_Supporting). The variant has been observed in >10 individuals without a diagnosis of diffuse gastric cancer, signet ring tumor or lobular breast cancer and whose family histories do not suggest HDGC (BS2; internal laboratory contributors). Use of the Bayesian point system for this variant with conflicting evidence. Therefore, the clinical significance of this variant is likely benign. ACMG/AMP criteria applied, as specified by the CDH1 Variant Curation Expert Panel (Variant Interpretation Guidelines Version 3.1): PM2_Supporting, BS2.

Labcorp Genetics (formerly Invitae), Labcorp
Classification: Likely benign for Hereditary diffuse gastric adenocarcinoma. Last evaluated: 2026-01-13. Review status: criteria provided, single submitter. Criteria: Invitae Variant Classification Sherloc (09022015). Collection method: clinical testing. Allele origin: germline. Not counted in ClinVar's aggregate classification.

GeneDx
Classification: Uncertain significance. Last evaluated: 2025-04-25. Review status: criteria provided, single submitter. Criteria: GeneDx Variant Classification Process June 2021. Collection method: clinical testing. Allele origin: germline. Affected: yes. Not counted in ClinVar's aggregate classification.
Comment: Observed in individuals with gastric cancer as well as in healthy controls (PMID: 28352678); In silico analysis, which includes protein predictors and evolutionary conservation, supports that this variant does not alter protein structure/function; Not observed at a significant frequency in large population cohorts (gnomAD); This variant is associated with the following publications: (PMID: 8075649, 9744472, 15235021, 28352678)

Mayo Clinic Laboratories, Mayo Clinic
Classification: Uncertain significance. Last evaluated: 2024-12-22. Review status: criteria provided, single submitter. Criteria: ACMG Guidelines, 2015. Collection method: clinical testing. Allele origin: germline. Observed: 2 variant alleles. Not counted in ClinVar's aggregate classification.
Comment: BP6, PM2_supporting

Color Diagnostics, LLC DBA Color Health
Classification: Likely benign for Hereditary cancer-predisposing syndrome. Last evaluated: 2024-07-26. Review status: criteria provided, single submitter. Criteria: ACMG Guidelines, 2015. Collection method: clinical testing. Allele origin: germline. Not counted in ClinVar's aggregate classification.

Myriad Genetics, Inc.
Classification: Uncertain significance for Hereditary diffuse gastric adenocarcinoma. Last evaluated: 2023-03-07. Review status: criteria provided, single submitter. Criteria: Myriad Autosomal Dominant, Autosomal Recessive and X-Linked Classification Criteria (2023). Collection method: clinical testing. Allele origin: unknown. Not counted in ClinVar's aggregate classification.
Comment: This variant is classified as a variant of uncertain significance as there is insufficient evidence to determine its impact on protein function and/or cancer risk.

Ambry Genetics
Classification: Likely benign for Hereditary cancer-predisposing syndrome. Last evaluated: 2021-02-16. Review status: criteria provided, single submitter. Criteria: Ambry Variant Classification Scheme 2023. Collection method: clinical testing. Allele origin: germline. Not counted in ClinVar's aggregate classification.

Genetic Services Laboratory, University of Chicago
Classification: Uncertain significance. Last evaluated: 2018-04-18. Review status: criteria provided, single submitter. Criteria: ACMG Guidelines, 2015. Collection method: clinical testing. Allele origin: germline. Affected: no. Not counted in ClinVar's aggregate classification.

Counsyl
Classification: Uncertain significance for Hereditary diffuse gastric adenocarcinoma. Last evaluated: 2017-07-11. Review status: no assertion criteria provided. Collection method: clinical testing. Allele origin: unknown. Not counted in ClinVar's aggregate classification.

OMIM
Classification: Pathogenic for ENDOMETRIAL CARCINOMA, SOMATIC. Last evaluated: 1994-05-01. Review status: no assertion criteria provided. Collection method: literature only. Allele origin: somatic. Not counted in ClinVar's aggregate classification.

Department of Pathology and Laboratory Medicine, Sinai Health System
Classification: Uncertain significance for Malignant tumor of breast. Review status: no assertion criteria provided. Collection method: clinical testing. Allele origin: unknown. Affected: yes. Study: The Canadian Open Genetics Repository (COGR). Not counted in ClinVar's aggregate classification.
Comment: The CDH1 p.Leu711Val variant was identified in the heterozygous or homozygous state in 41 of 359 Chinese probands with gastric cancer and in 25 of 368 healthy individuals, although the allele frequencies could not be calculated for either population as the frequencies of heterozygotes and homozygotes were not provided separately (Lin 2014). This variant has also been reported somatically in an endometrial carcinoma with no evidence of loss of heterozygosity in tumour tissue (Risinger 1994). The variant was identified in dbSNP (ID: rs121964871) as â€šÃ„ÃºWith Pathogenic alleleâ€šÃ„Ã¹ and ClinVar (classified as uncertain significance by Ambry Genetics, Invitae, GeneDx, Color and Counsyl). The variant was identified in control databases in 2 of 276082 chromosomes at a frequency of 0.000007 (Genome Aggregation Database Feb 27, 2017). The variant was observed in the European population in 2 of 126488 chromosomes (freq: 0.000016), but not in the African, Other, Latino, Ashkenazi Jewish, East Asian, Finnish, or South Asian populations. The p.Leu711 residue is conserved in mammals and computational analyses (PolyPhen-2, SIFT, AlignGVGD, BLOSUM, MutationTaster) provide inconsistent predictions regarding the impact to the protein; this information is not very predictive of pathogenicity. The variant occurs outside of the splicing consensus sequence and in silico or computational prediction software programs (SpliceSiteFinder, MaxEntScan, NNSPLICE, GeneSplicer) do not predict a difference in splicing. In summary, based on the above information, the clinical significance of this variant cannot be determined with certainty at this time. This variant is classified as a variant of uncertain significance.

Literature cited by the submitters: PubMed 28352678 (cited by 3 submitters); PubMed 8075649 (cited by Counsyl and OMIM).

NM_004360.5(CDH1):c.2131C>G (p.Leu711Val)

Gene: CDH1 (cadherin 1; plus strand). Cytogenetic location: 16q22.1.
Variant type: single nucleotide variant.
Coding change: c.2131C>G on transcript NM_004360.5 (MANE Select); coding-DNA position 2131, C replaced by G.
Protein change: p.Leu711Val; replaces leucine 711 with valine.
Molecular consequence: missense variant.
Genome position (GRCh38, 1-based): chr16:68,823,593, C>G. VCF-style: chr16-68823593-C-G. GRCh37 (hg19) VCF-style: chr16-68857496-C-G.
Other names: c.1948C>G, p.Leu650Val (NM_001317184.2); c.583C>G, p.Leu195Val (NM_001317185.2); c.166C>G, p.Leu56Val (NM_001317186.2); c.2131C>G, p.Leu711Val (LRG_301t1); short protein forms L711V, L56V, L650V, L195V.
Identifiers: ClinVar variation 12231 (VCV000012231.34), dbSNP rs121964871, ClinGen allele CA121988.